The following is an entry in ClinVar:

NM_017617.5(NOTCH1):c.4627G>A (p.Gly1543Arg)

Gene: NOTCH1 (notch receptor 1; minus strand). Cytogenetic location: 9q34.3.
Variant type: single nucleotide variant.
Coding change: c.4627G>A on transcript NM_017617.5 (MANE Select); coding-DNA position 4627, G replaced by A.
Protein change: p.Gly1543Arg; replaces glycine 1543 with arginine.
Molecular consequence: missense variant.
Genome position (GRCh38, 1-based): chr9:136,505,064, C>T on the plus strand (G>A on the coding strand, the complement: NOTCH1 is on the minus strand). VCF-style: chr9-136505064-C-T. GRCh37 (hg19) VCF-style: chr9-139399516-C-T.
Other names: short protein forms G1543R.
Identifiers: ClinVar variation 1306244 (VCV001306244.8), dbSNP rs533102436, ClinGen allele CA5340550.
Genomic context (GRCh38, chr9:136,505,064, plus strand): 5'-CCGCACAGTCCAGCCCGTCCCACTCGCACTCCGCGCTGTTGCAGCCCTGGTCGCAGTGCC[C>T]GTCGCTGAAGTGGTCCTTGCAGTACTGGTCGTACAGGGGGCTGTGGGGGGCGGGACACGC-3'
Protein context (NP_060087.3, residues 1533-1553): DQYCKDHFSD[Gly1543Arg]HCDQGCNSAE

ClinVar aggregate classification (germline): Uncertain significance. Review status: criteria provided, multiple submitters, no conflicts (2 of 4 stars). 3 submissions from 3 submitters: Uncertain significance (3). Last evaluated 2024-05-07.

Conditions:
Adams-Oliver syndrome 5 (AOS5). Identifiers: Orphanet 974, MedGen C4014970, MONDO:0014459, OMIM 616028.
Familial thoracic aortic aneurysm and aortic dissection (TAAD). Also called: Thoracic aortic aneurysms and dissections. Identifiers: Orphanet 91387, MedGen C4707243, MONDO:0019625.

Allele frequency attached by ClinVar (database versions not stated): ExAC 0.00001; gnomAD 0.00001; 1000 Genomes Project 30x 0.00016; 1000 Genomes Project 0.00020.
gnomAD v4.1: 12 of 1,611,066 alleles (0.00074%); highest among the groups gnomAD compares: East Asian, 0.016%; no homozygotes.

Submissions (3):

Ambry Genetics
Classification: Uncertain significance for Familial thoracic aortic aneurysm and aortic dissection. Last evaluated: 2024-05-07. Review status: criteria provided, single submitter. Criteria: Ambry Variant Classification Scheme 2023. Collection method: clinical testing. Allele origin: germline.

Labcorp Genetics (formerly Invitae), Labcorp
Classification: Uncertain significance for Adams-Oliver syndrome 5. Last evaluated: 2023-07-07. Review status: criteria provided, single submitter. Criteria: Invitae Variant Classification Sherloc (09022015). Collection method: clinical testing. Allele origin: germline.
Comment: In summary, the available evidence is currently insufficient to determine the role of this variant in disease. Therefore, it has been classified as a Variant of Uncertain Significance. Advanced modeling of protein sequence and biophysical properties (such as structural, functional, and spatial information, amino acid conservation, physicochemical variation, residue mobility, and thermodynamic stability) has been performed at Invitae for this missense variant, however the output from this modeling did not meet the statistical confidence thresholds required to predict the impact of this variant on NOTCH1 protein function. This sequence change replaces glycine, which is neutral and non-polar, with arginine, which is basic and polar, at codon 1543 of the NOTCH1 protein (p.Gly1543Arg). This variant is present in population databases (rs533102436, gnomAD 0.02%). This variant has not been reported in the literature in individuals affected with NOTCH1-related conditions. ClinVar contains an entry for this variant (Variation ID: 1306244).

GeneDx
Classification: Uncertain significance. Last evaluated: 2022-12-22. Review status: criteria provided, single submitter. Criteria: GeneDx Variant Classification Process June 2021. Collection method: clinical testing. Allele origin: germline. Affected: yes.
Comment: Has not been previously published as pathogenic or benign in association with a Adams-Oliver syndrome (AOS) to our knowledge; Not observed at significant frequency in large population cohorts (gnomAD); In silico analysis supports that this missense variant has a deleterious effect on protein structure/function; This variant is associated with the following publications: (PMID: 33536367)